The following is an entry in ClinVar:

ClinVar aggregate classification (germline): Uncertain significance (1 of 4 stars; one submission).

Conditions:
Joubert syndrome. Also called: Familial aplasia of the vermis; JOUBERT-BOLTSHAUSER SYNDROME; CEREBELLOPARENCHYMAL DISORDER IV. Identifiers: Orphanet 475, MedGen C5979921, MONDO:0018772.
Orofaciodigital syndrome I (OFD1). Also called: Papillon-Leage and Psaume Syndrome; OFDS I; Oral-Facial-Digital Syndrome Type I. Identifiers: Orphanet 2750, MedGen C1510460, MONDO:0010702, OMIM 311200.

gnomAD v4.1: 1 of 1,207,827 alleles (0.000083%); highest among the groups gnomAD compares: Non-Finnish European, 0.00011%; no homozygotes.

Submission:

Labcorp Genetics (formerly Invitae), Labcorp
Classification: Uncertain significance for Orofaciodigital syndrome I; Joubert syndrome. Last evaluated: 2025-05-03. Review status: criteria provided, single submitter. Criteria: Invitae Variant Classification Sherloc (09022015). Collection method: clinical testing. Allele origin: germline.
Comment: This sequence change replaces aspartic acid, which is acidic and polar, with glutamic acid, which is acidic and polar, at codon 360 of the OFD1 protein (p.Asp360Glu). This variant is not present in population databases (gnomAD no frequency). This variant has not been reported in the literature in individuals affected with OFD1-related conditions. Invitae Evidence Modeling of protein sequence and biophysical properties (such as structural, functional, and spatial information, amino acid conservation, physicochemical variation, residue mobility, and thermodynamic stability) indicates that this missense variant is not expected to disrupt OFD1 protein function with a negative predictive value of 80%. In summary, the available evidence is currently insufficient to determine the role of this variant in disease. Therefore, it has been classified as a Variant of Uncertain Significance.

NM_003611.3(OFD1):c.1080C>G (p.Asp360Glu)

Gene: OFD1 (OFD1 centriole and centriolar satellite protein; plus strand). Cytogenetic location: Xp22.2.
Variant type: single nucleotide variant.
Coding change: c.1080C>G on transcript NM_003611.3 (MANE Select); coding-DNA position 1080, C replaced by G.
Protein change: p.Asp360Glu; replaces aspartic acid 360 with glutamic acid.
Molecular consequence: missense variant.
Genome position (GRCh38, 1-based): chrX:13,753,392, C>G. VCF-style: chrX-13753392-C-G. GRCh37 (hg19) VCF-style: chrX-13771511-C-G.
Other names: c.960C>G, p.Asp320Glu (NM_001330209.2, NM_001440948.1); c.660C>G, p.Asp220Glu (NM_001330210.2); c.1080C>G, p.Asp360Glu (NM_001440947.1); short protein forms D320E, D360E, D220E.
Identifiers: ClinVar variation 4788599 (VCV004788599.1).